The following is an entry in ClinVar:

ClinVar aggregate classification (germline): Conflicting classifications of pathogenicity. Review status: criteria provided, conflicting classifications (1 of 4 stars). 2 submissions from 2 submitters: Uncertain significance (1); Likely benign (1). Last evaluated 2025-07-27.

Conditions:
Dilated cardiomyopathy 1KK (CMD1KK). Identifiers: Orphanet 154, Orphanet 75249, MedGen C3714995, MONDO:0014100, OMIM 615248.
Cardiovascular phenotype. Identifiers: MedGen CN230736.

Allele frequency attached by ClinVar (database versions not stated): ExAC 0.00001; gnomAD exomes 0.00001; gnomAD 0.00003.

Submissions (2):

Labcorp Genetics (formerly Invitae), Labcorp
Classification: Likely benign for Dilated cardiomyopathy 1KK. Last evaluated: 2025-07-27. Review status: criteria provided, single submitter. Criteria: Invitae Variant Classification Sherloc (09022015). Collection method: clinical testing. Allele origin: germline.

Ambry Genetics
Classification: Uncertain significance for Cardiovascular phenotype. Last evaluated: 2021-06-11. Review status: criteria provided, single submitter. Criteria: Ambry Variant Classification Scheme 2023. Collection method: clinical testing. Allele origin: germline.
Comment: The c.3837C>T variant (also known as p.P1279P), located in coding exon 19 of the MYPN gene, results from a C to T substitution at nucleotide position 3837. This nucleotide substitution does not change the proline at codon 1279. This nucleotide position is well conserved in available vertebrate species. In silico splice site analysis for this alteration is inconclusive. Since supporting evidence is limited at this time, the clinical significance of this alteration remains unclear.

NM_032578.4(MYPN):c.3837C>T (p.Pro1279=)

Gene: MYPN (myopalladin; plus strand). Cytogenetic location: 10q21.3.
Variant type: single nucleotide variant.
Coding change: c.3837C>T on transcript NM_032578.4 (MANE Select); coding-DNA position 3837, C replaced by T.
Protein change: p.Pro1279=; no amino-acid change (proline 1279 retained).
Molecular consequence: synonymous variant. On other transcripts: non-coding transcript variant (2).
Genome position (GRCh38, 1-based): chr10:68,210,329, C>T. VCF-style: chr10-68210329-C-T. GRCh37 (hg19) VCF-style: chr10-69970086-C-T.
Other names: c.3837C>T, p.Pro1279= (NM_001256267.2); c.2955C>T, p.Pro985= (NM_001256268.2).
Identifiers: ClinVar variation 1128824 (VCV001128824.11), dbSNP rs774279751, ClinGen allele CA5523174.